The following is an entry in ClinVar:

ClinVar aggregate classification (germline): Likely benign. Review status: criteria provided, multiple submitters, no conflicts (2 of 4 stars). 6 submissions from 6 submitters: Likely benign (5). 1 of the submissions does not count toward it. Last evaluated 2026-06-01.

Conditions:
Inborn genetic diseases. Identifiers: MedGen C0950123, MeSH D030342.
GCDH-related disorder. Also called: GCDH-related condition.
Glutaric aciduria, type 1. Also called: Glutaric Acidemia Type 1; Glutaricaciduria, type I; Glutaricacidemia Type 1; GA I; Glutaryl-CoA dehydrogenase deficiency; Glutaric acidemia type I. Identifiers: Orphanet 25, MedGen C0268595, MONDO:0009281, OMIM 231670.

Allele frequency attached by ClinVar (database versions not stated): gnomAD exomes 0.00005; TOPMed 0.00006; gnomAD 0.00002 and 0.00003; ExAC 0.00005.
gnomAD v4.1: 82 of 1,613,942 alleles (0.0051%); highest among the groups gnomAD compares: East Asian, 0.011%; no homozygotes.

Submissions (6):

CeGaT Center for Human Genetics Tuebingen
Classification: Likely benign. Last evaluated: 2026-06-01. Review status: criteria provided, single submitter. Criteria: CeGaT Center For Human Genetics Tuebingen Variant Classification Criteria Version 2. Collection method: clinical testing. Allele origin: germline. Affected: yes. Observed: 1 variant allele.
Comment: GCDH: BP4, BP7

Ambry Genetics
Classification: Likely benign for Inborn genetic diseases. Last evaluated: 2025-11-10. Review status: criteria provided, single submitter. Criteria: Ambry Variant Classification Scheme 2023. Collection method: clinical testing. Allele origin: germline.

Labcorp Genetics (formerly Invitae), Labcorp
Classification: Likely benign for Glutaric aciduria, type 1. Last evaluated: 2024-12-05. Review status: criteria provided, single submitter. Criteria: Invitae Variant Classification Sherloc (09022015). Collection method: clinical testing. Allele origin: germline.

Blueprint Genetics
Classification: Likely benign. Last evaluated: 2024-10-23. Review status: criteria provided, single submitter. Criteria: ACMG Guidelines, 2015. Collection method: clinical testing. Allele origin: germline.

GeneDx
Classification: Likely benign. Last evaluated: 2016-06-17. Review status: criteria provided, single submitter. Criteria: GeneDx Variant Classification (06012015). Collection method: clinical testing. Allele origin: germline. Affected: yes.
Comment: This variant is considered likely benign or benign based on one or more of the following criteria: it is a conservative change, it occurs at a poorly conserved position in the protein, it is predicted to be benign by multiple in silico algorithms, and/or has population frequency not consistent with disease.

PreventionGenetics, part of Exact Sciences
Classification: Likely benign for GCDH-related condition. Last evaluated: 2022-08-16. Review status: no assertion criteria provided. Collection method: clinical testing. Allele origin: germline. Not counted in ClinVar's aggregate classification.
Comment: This variant is classified as likely benign based on ACMG/AMP sequence variant interpretation guidelines (Richards et al. 2015 PMID: 25741868, with internal and published modifications).

NM_000159.4(GCDH):c.1209C>T (p.His403=)

Gene: GCDH (glutaryl-CoA dehydrogenase; plus strand). Cytogenetic location: 19p13.13.
Variant type: single nucleotide variant.
Coding change: c.1209C>T on transcript NM_000159.4 (MANE Select); coding-DNA position 1209, C replaced by T.
Protein change: p.His403=; no amino-acid change (histidine 403 retained).
Molecular consequence: synonymous variant. On other transcripts: non-coding transcript variant (2).
Genome position (GRCh38, 1-based): chr19:12,897,829, C>T. VCF-style: chr19-12897829-C-T. GRCh37 (hg19) VCF-style: chr19-13008643-C-T.
Other names: c.1209C>T, p.His403= (NM_013976.5).
Identifiers: ClinVar variation 387159 (VCV000387159.17), dbSNP rs747746632, ClinGen allele CA9234633.